The following is an entry in ClinVar:

ClinVar aggregate classification (germline): Uncertain significance (1 of 4 stars; one submission).

Conditions:
Ataxia-telangiectasia syndrome (AT). Also called: Cerebello-oculocutaneous telangiectasia; Immunodeficiency with ataxia telangiectasia; Ataxia-telangiectasia, complementation group E; Ataxia-telangiectasia, complementation group D; AT, COMPLEMENTATION GROUP C; ATAXIA-TELANGIECTASIA, COMPLEMENTATION GROUP A. Identifiers: Orphanet 100, MedGen C0004135, MONDO:0008840, OMIM 208900.

Submission:

Labcorp Genetics (formerly Invitae), Labcorp
Classification: Uncertain significance for Ataxia-telangiectasia syndrome. Last evaluated: 2021-08-31. Review status: criteria provided, single submitter. Criteria: Invitae Variant Classification Sherloc (09022015). Collection method: clinical testing. Allele origin: germline.
Comment: This sequence change replaces valine with alanine at codon 2298 of the ATM protein (p.Val2298Ala). The valine residue is moderately conserved and there is a small physicochemical difference between valine and alanine. This variant is not present in population databases (ExAC no frequency). This variant has not been reported in the literature in individuals affected with ATM-related conditions. Algorithms developed to predict the effect of missense changes on protein structure and function (SIFT, PolyPhen-2, Align-GVGD) all suggest that this variant is likely to be disruptive. In summary, the available evidence is currently insufficient to determine the role of this variant in disease. Therefore, it has been classified as a Variant of Uncertain Significance.

NM_000051.4(ATM):c.6893T>C (p.Val2298Ala)

Genes: ATM (ATM serine/threonine kinase; plus strand), C11orf65 (chromosome 11 open reading frame 65; minus strand). Cytogenetic location: 11q22.3.
Variant type: single nucleotide variant.
Coding change: c.6893T>C on transcript NM_000051.4 (MANE Select); coding-DNA position 6893, T replaced by C.
Protein change: p.Val2298Ala; replaces valine 2298 with alanine.
Molecular consequence: missense variant. On other transcripts: intron variant (2).
Genome position (GRCh38, 1-based): chr11:108,326,143, T>C. VCF-style: chr11-108326143-T-C. GRCh37 (hg19) VCF-style: chr11-108196870-T-C.
Other names: c.6893T>C, p.Val2298Ala (NM_001351834.2); c.641-17072A>G (NM_001330368.2); c.*38+9077A>G (NM_001351110.2); short protein forms V2298A.
Identifiers: ClinVar variation 574824 (VCV000574824.6), dbSNP rs1565520607, ClinGen allele CA382556899.